The following is an entry in ClinVar:

NM_000829.4(GRIA4):c.1457T>C (p.Val486Ala)

Gene: GRIA4 (glutamate ionotropic receptor AMPA type subunit 4; plus strand). Cytogenetic location: 11q22.3.
Variant type: single nucleotide variant.
Coding change: c.1457T>C on transcript NM_000829.4 (MANE Select); coding-DNA position 1457, T replaced by C.
Protein change: p.Val486Ala; replaces valine 486 with alanine.
Molecular consequence: missense variant. On other transcripts: non-coding transcript variant (1).
Genome position (GRCh38, 1-based): chr11:105,918,899, T>C. VCF-style: chr11-105918899-T-C. GRCh37 (hg19) VCF-style: chr11-105789625-T-C.
Other names: c.1457T>C, p.Val486Ala (NM_001077243.3); short protein forms V486A.
Identifiers: ClinVar variation 3901714 (VCV003901714.1).

ClinVar aggregate classification (germline): Uncertain significance (1 of 4 stars; one submission).

Submission:

GeneDx
Classification: Uncertain significance. Last evaluated: 2024-12-07. Review status: criteria provided, single submitter. Criteria: GeneDx Variant Classification Process June 2021. Collection method: clinical testing. Allele origin: germline. Affected: yes.
Comment: Not observed at significant frequency in large population cohorts (gnomAD); In silico analysis supports that this missense variant has a deleterious effect on protein structure/function; Has not been previously published as pathogenic or benign to our knowledge